The following is an entry in ClinVar:

ClinVar aggregate classification (germline): Pathogenic/Likely pathogenic. Review status: criteria provided, multiple submitters, no conflicts (2 of 4 stars). 9 submissions from 9 submitters: Pathogenic (5); Likely pathogenic (4). Last evaluated 2025-10-31.

Conditions:
Hereditary cancer-predisposing syndrome. Also called: Neoplastic Syndromes, Hereditary; Hereditary Cancer Syndrome; Tumor predisposition; Hereditary neoplastic syndrome. Identifiers: Orphanet 140162, MedGen C0027672, MeSH D009386, MONDO:0015356.
Familial cancer of breast. Also called: hereditary breast carcinoma; Hereditary breast cancer; BREAST CANCER, FAMILIAL. Identifiers: Orphanet 227535, MedGen C0346153, MONDO:0016419, OMIM 114480. Disease mechanism: loss of function.
CHEK2-related disorder.

Submissions (9):

Labcorp Genetics (formerly Invitae), Labcorp
Classification: Pathogenic for Familial cancer of breast. Last evaluated: 2025-10-31. Review status: criteria provided, single submitter. Criteria: Invitae Variant Classification Sherloc (09022015). Collection method: clinical testing. Allele origin: germline.
Comment: This sequence change creates a premature translational stop signal (p.Val397Phefs*17) in the CHEK2 gene. It is expected to result in an absent or disrupted protein product. Loss-of-function variants in CHEK2 are known to be pathogenic (PMID: 21876083, 24713400). This variant is present in population databases (rs753159426, gnomAD 0.003%). This variant has not been reported in the literature in individuals affected with CHEK2-related conditions. ClinVar contains an entry for this variant (Variation ID: 240730). For these reasons, this variant has been classified as Pathogenic.

Molecular Pathology, Peter Maccallum Cancer Centre
Classification: Pathogenic for Familial cancer of breast. Last evaluated: 2025-02-12. Review status: criteria provided, single submitter. Criteria: ACMG Guidelines, 2015. Collection method: clinical testing. Allele origin: germline. Inheritance: Autosomal dominant inheritance.

Molecular Diagnostics Laboratory, Catalan Institute of Oncology
Classification: Likely pathogenic for Hereditary cancer-predisposing syndrome. Last evaluated: 2024-10-15. Review status: criteria provided, single submitter. Criteria: ACMG Guidelines, 2015. Collection method: clinical testing. Allele origin: germline.
Comment: PVS1, PM2_Supporting c.1188del, located in exon 11 of the CHEK2 gene, consists in the deletion of 1 nucleotide, causing a translational frameshift with a predicted alternate stop codon p.(Val397Phefs*17). This alteration affects a (potentially) clinically important domain and is expected to result in loss of function by premature protein truncation and nonsense-mediated mRNA decay (PVS1). This variant is found in 2/267922 alleles at a frequency of 0.0007% in the gnomAD v2.1.1 database, non-cancer dataset (PM2_supporting). To our knowledge, neither relevant case-control data nor well-established functional studies have been reported for this variant. This variant has been reported in 3 breast cancer patients (PMID:33925588). This variant has been reported in the ClinVar database (4x pathogenic, 1x likely pathogenic), and in the LOVD (2x pathogenic). Based on currently available information, the variant c.1188del should be considered a likely pathogenic variant, according to the ACMG/AMP guidelines.

Ambry Genetics
Classification: Pathogenic for Hereditary cancer-predisposing syndrome. Last evaluated: 2024-08-08. Review status: criteria provided, single submitter. Criteria: Ambry Variant Classification Scheme 2023. Collection method: clinical testing. Allele origin: germline.
Comment: The c.1188delT pathogenic mutation, located in coding exon 10 of the CHEK2 gene, results from a deletion of one nucleotide at nucleotide position 1188, causing a translational frameshift with a predicted alternate stop codon (p.V397Ffs*17). This mutation was detected in 1/1382 Greek breast cancer patients who underwent multigene panel testing (Fostira F et al. J Med Genet, 2020 01;57:53-61). In addition to the clinical data presented in the literature, this alteration is expected to result in loss of function by premature protein truncation or nonsense-mediated mRNA decay. As such, this alteration is interpreted as a disease-causing mutation.

Color Diagnostics, LLC DBA Color Health
Classification: Pathogenic for Hereditary cancer-predisposing syndrome. Last evaluated: 2024-04-15. Review status: criteria provided, single submitter. Criteria: ACMG Guidelines, 2015. Collection method: clinical testing. Allele origin: germline.
Comment: This variant deletes 1 nucleotide in exon 11 of the CHEK2 gene, creating a frameshift and premature translation stop signal. This variant is expected to result in an absent or non-functional protein product. This variant has been reported in individuals affected with breast cancer (PMID: 31300551, Color internal data). This variant has been identified in 2/282458 chromosomes in the general population by the Genome Aggregation Database (gnomAD). Loss of CHEK2 function is a known mechanism of disease. Based on the available evidence, this variant is classified as Pathogenic.

GeneDx
Classification: Likely pathogenic. Last evaluated: 2023-10-18. Review status: criteria provided, single submitter. Criteria: GeneDx Variant Classification Process June 2021. Collection method: clinical testing. Allele origin: germline. Affected: yes.
Comment: Frameshift variant predicted to result in protein truncation or nonsense mediated decay in a gene for which loss of function is a known mechanism of disease; Not observed at significant frequency in large population cohorts (gnomAD); Observed in individuals with breast cancer (Fostira et al., 2020; Apostolou et al., 2021); This variant is associated with the following publications: (PMID: 31589614, 29922827, 31300551, 33925588)

Myriad Genetics, Inc.
Classification: Pathogenic for Familial cancer of breast. Last evaluated: 2023-06-28. Review status: criteria provided, single submitter. Criteria: Myriad Autosomal Dominant, Autosomal Recessive and X-Linked Classification Criteria (2023). Collection method: clinical testing. Allele origin: unknown.
Comment: This variant is considered pathogenic. This variant creates a frameshift predicted to result in premature protein truncation.

Blueprint Genetics
Classification: Likely pathogenic for CHEK2-related disorders. Last evaluated: 2022-01-25. Review status: criteria provided, single submitter. Criteria: ACMG Guidelines, 2015. Collection method: clinical testing. Allele origin: germline. Affected: yes. Observed: 1 variant allele.

Mendelics
Classification: Likely pathogenic for Familial cancer of breast. Last evaluated: 2018-07-02. Review status: criteria provided, single submitter. Criteria: Mendelics Assertion Criteria 2017. Collection method: clinical testing. Allele origin: unknown.

Literature cited by the submitters: PubMed 21876083 (cited by Labcorp Genetics (formerly Invitae), Labcorp); PubMed 24713400 (cited by Labcorp Genetics (formerly Invitae), Labcorp); PubMed 31300551 (cited by Ambry Genetics and Color Diagnostics, LLC DBA Color Health).

NM_007194.4(CHEK2):c.1188del (p.Val397fs)

Gene: CHEK2 (checkpoint kinase 2; minus strand). Cytogenetic location: 22q12.1.
Variant type: Deletion.
Coding change: c.1188del on transcript NM_007194.4 (MANE Select); coding-DNA position 1188, one base deleted (T; older notation c.1188delT).
Protein change: p.Val397fs; shifts the reading frame from valine 397.
Molecular consequence: frameshift variant.
Genome position (GRCh38, 1-based): chr22:28,695,781, A deleted on the plus strand (T on the coding strand, the reverse complement: CHEK2 is on the minus strand); the first of 2 consecutive A bases (chr22:28,695,781-28,695,782); deleting either gives the same sequence. VCF-style (leftmost placement, unchanged base first): chr22-28695780-CA-C. GRCh37 (hg19) VCF-style: chr22-29091768-CA-C.
Other names: c.1316delT, p.Val440Phefs (NM_001005735.3); c.524delT, p.Val176Phefs (NM_001257387.3); c.986delT, p.Val330Phefs (NM_001349956.3); c.1100delT, p.Val368Phefs (NM_145862.3); short protein forms V330fs, V368fs, V440fs, V397fs, V176fs.
Identifiers: ClinVar variation 240730 (VCV000240730.25), dbSNP rs753159426, ClinGen allele CA10167713.
Genomic context (GRCh38, chr22:28,695,780, plus strand): 5'-GAATAACTCCTAAACTCCAGCAGTCCACAGCACGGTTATACCCAGCAGTCCCAACAGAAA[CA>C]AGAACTTCAGGCGCCAAGTAGGTGGGGGTTCCACATAAGGTTCTCATGAGAGAGGTCTCT-3'